The following is an entry in ClinVar:

NM_002206.3(ITGA7):c.2701A>G (p.Ile901Val)

Gene: ITGA7 (integrin subunit alpha 7; minus strand). Cytogenetic location: 12q13.2.
Variant type: single nucleotide variant.
Coding change: c.2701A>G on transcript NM_002206.3 (MANE Select); coding-DNA position 2701, A replaced by G.
Protein change: p.Ile901Val; replaces isoleucine 901 with valine.
Molecular consequence: missense variant.
Genome position (GRCh38, 1-based): chr12:55,693,152, T>C on the plus strand (A>G on the coding strand, the complement: ITGA7 is on the minus strand). VCF-style: chr12-55693152-T-C. GRCh37 (hg19) VCF-style: chr12-56086936-T-C.
Other names: c.2713A>G, p.Ile905Val (NM_001144996.2); c.2422A>G, p.Ile808Val (NM_001144997.2); c.2374A>G, p.Ile792Val (NM_001367993.1); c.1357A>G, p.Ile453Val (NM_001367994.1); c.2683A>G, p.Ile895Val (NM_001374465.1); c.2833A>G, p.Ile945Val (NM_001410977.1); c.2695A>G, p.Ile899Val (NM_001414029.1); c.2626A>G, p.Ile876Val (NM_001414030.1); and 5 more; short protein forms I901V, I808V, I453V, I792V, I905V, I895V, I945V, I826V.
Identifiers: ClinVar variation 211211 (VCV000211211.48), dbSNP rs113651939, ClinGen allele CA205510.
Genomic context (GRCh38, chr12:55,693,152, plus strand): 5'-CCATAACATCTGTCCCCACATCTAACCCCCACCCCCACCTAAGCCTCACCAGGTGGAGGA[T>C]GTTGGGCCTGGGAGAGCAAAGCCCTTTCTGCCCAGGCCCCTGCCCGCCCTCCAGCTCAAC-3'
Protein context (NP_002197.2, residues 891-911): QKGLCSPRPN[Ile901Val]LHLDVDSRDR

ClinVar aggregate classification (germline): Benign/Likely benign. Review status: criteria provided, multiple submitters, no conflicts (2 of 4 stars). 8 submissions from 8 submitters: Benign (4); Likely benign (4). Last evaluated 2026-01-25.

Conditions:
Congenital muscular dystrophy due to integrin alpha-7 deficiency. Also called: Congenital muscular dystrophy with integrin alpha-7 deficiency; Muscular dystrophy, congenital, due to ITGA7 deficiency; MYOPATHY, CONGENITAL, DUE TO INTEGRIN ALPHA-7 DEFICIENCY. Identifiers: Orphanet 34520, MedGen C2750786, MONDO:0013177, OMIM 613204.

Allele frequency attached by ClinVar (database versions not stated): ESP Exome Variant Server 0.00008; gnomAD exomes 0.00071 and 0.00295; gnomAD 0.00095; ExAC 0.00257; 1000 Genomes Project 0.00280; 1000 Genomes Project 30x 0.00281.
gnomAD v4.1: 1,247 of 1,613,798 alleles (0.077%); highest among the groups gnomAD compares: Admixed American, 1.1%; 12 homozygotes.

Submissions (8):

Labcorp Genetics (formerly Invitae), Labcorp
Classification: Benign for Congenital muscular dystrophy due to integrin alpha-7 deficiency. Last evaluated: 2026-01-25. Review status: criteria provided, single submitter. Criteria: Invitae Variant Classification Sherloc (09022015). Collection method: clinical testing. Allele origin: germline.

CeGaT Center for Human Genetics Tuebingen
Classification: Benign. Last evaluated: 2023-09-01. Review status: criteria provided, single submitter. Criteria: CeGaT Center For Human Genetics Tuebingen Variant Classification Criteria Version 2. Collection method: clinical testing. Allele origin: germline. Affected: yes. Observed: 1 variant allele.
Comment: ITGA7: BS1, BS2

Fulgent Genetics
Classification: Likely benign for Congenital muscular dystrophy due to integrin alpha-7 deficiency. Last evaluated: 2021-11-12. Review status: criteria provided, single submitter. Criteria: ACMG Guidelines, 2015. Collection method: clinical testing. Allele origin: unknown.

Center for Pediatric Genomic Medicine, Children's Mercy Hospital and Clinics
Classification: Likely benign. Last evaluated: 2017-09-18. Review status: criteria provided, single submitter. Criteria: ACMG Guidelines, 2015. Collection method: clinical testing. Allele origin: germline.

Eurofins Ntd Llc (ga)
Classification: Benign. Last evaluated: 2015-10-26. Review status: criteria provided, single submitter. Criteria: EGL Classification Definitions 2015. Collection method: clinical testing. Allele origin: germline. Observed: 1 variant allele, 1 heterozygote.

Genetic Services Laboratory, University of Chicago
Classification: Likely benign. Last evaluated: 2014-10-14. Review status: criteria provided, single submitter. Criteria: ACMG Guidelines, 2015. Collection method: clinical testing. Allele origin: germline.

Breakthrough Genomics
Classification: Likely benign. Review status: criteria provided, single submitter. Criteria: ACMG Guidelines, 2015. Collection method: not provided. Allele origin: germline. Inheritance: Autosomal recessive inheritance. Affected: yes.

PreventionGenetics, part of Exact Sciences
Classification: Benign. Review status: criteria provided, single submitter. Criteria: ACMG Guidelines, 2015. Collection method: clinical testing. Allele origin: germline.